The following is an entry in ClinVar:

ClinVar aggregate classification (germline): Likely pathogenic (1 of 4 stars; one submission).

Conditions:
8q24.3 microdeletion syndrome. Also called: CHROMOSOME 8q24.3 DELETION SYNDROME; Verheij syndrome. Identifiers: Orphanet 508488, MedGen C3810023, MONDO:0014263, OMIM 615583.

Submission:

Victorian Clinical Genetics Services, Murdoch Childrens Research Institute
Classification: Likely pathogenic for 8q24.3 microdeletion syndrome. Last evaluated: 2018-07-19. Review status: criteria provided, single submitter. Criteria: ACMG Guidelines, 2015. Collection method: clinical testing. Allele origin: unknown. Inheritance: Autosomal dominant inheritance. Affected: yes. Observed: 1 variant allele.
Comment: A heterozygous frameshift deletion variant, NM_078480.2(PUF60):c.803_809delGCTACGG, has been identified in exon 8 of 12 of the PUF60 gene. This deletion is predicted to create a frameshift starting at amino acid position 268, introducing a stop codon 18 residues downstream (NP_510965.1(PUF60):p.(Gly268Alafs*18)). This variant is predicted to result in loss of protein function through nonsense-mediated decay, which is a reported mechanism of pathogenicity for this gene. However, truncation of the protein as a result of a NMD-escape mechanism has not been excluded. The variant is absent in population databases (gnomAD, dbSNP, 1000G). This variant has not been previously reported in clinical cases. However, other heterozygous loss of function variants downstream of c.803_809delGCTACGG in PUF60 have been reported as pathogenic in clinical cases (ClinVar). Based on the information available at the time of curation, this variant has been classified as LIKELY PATHOGENIC.

NM_078480.3(PUF60):c.803_809del (p.Gly268fs)

Gene: PUF60 (poly(U) binding splicing factor 60; minus strand). Cytogenetic location: 8q24.3.
Variant type: Deletion.
Coding change: c.803_809del on transcript NM_078480.3 (MANE Select); coding-DNA positions 803 to 809, 7 bases deleted (GCTACGG; older notation c.803_809delGCTACGG).
Protein change: p.Gly268fs; shifts the reading frame from glycine 268.
Molecular consequence: frameshift variant.
Genome position (GRCh38, 1-based): chr8:143,817,870-143,817,876, CCGTAGC deleted on the plus strand (GCTACGG on the coding strand, the reverse complement: PUF60 is on the minus strand); deleting any 7 consecutive bases within chr8:143,817,870-143,817,878 gives the same sequence; the c. name uses the placement nearest the transcript's 3' end. VCF-style (leftmost placement, unchanged base first): chr8-143817869-GCCGTAGC-G. GRCh37 (hg19) VCF-style: chr8-144900039-GCCGTAGC-G.
Other names: c.674_680del, p.Gly225fs (NM_001136033.3); c.749_755del, p.Gly250fs (NM_001271096.2); c.665_671del, p.Gly222fs (NM_001271097.2); c.800_806del, p.Gly267fs (NM_001271098.2); c.716_722del, p.Gly239fs (NM_001271099.2); c.623_629del, p.Gly208fs (NM_001271100.2); c.914_920del, p.Gly305fs (NM_001362895.2, NM_001362896.2); c.863_869del, p.Gly288fs (NM_001362897.2); and 1 more; short protein forms G208fs, G222fs, G225fs, G239fs, G250fs, G251fs, G267fs, G268fs.
Identifiers: ClinVar variation 1333186 (VCV001333186.3), dbSNP rs2130244708, ClinGen allele CA2573052985.
Genomic context (GRCh38, chr8:143,817,869, plus strand): 5'-GGCCAGCCCCAGCCTCAGGTGGCCCCCATCCCGCCTCAGCCACCCCAGCTCACCAATGAA[GCCGTAGC>G]CCTTGTGCTTGCCAGTTGTGGGGTCCCGGGCCAGTGTGCAGGACTTGATCTTGCCAAAGG-3'